The following is an entry in ClinVar:

ClinVar aggregate classification (germline): other (0 of 4 stars; one submission).

Conditions:
Familial colorectal cancer. Identifiers: MedGen CN280943, MONDO:0023113. Disease mechanism: loss of function.

Submission:

Systems Biology Platform Zhejiang California International NanoSystems Institute
Classification: other for Familial colorectal cancer. Review status: no assertion criteria provided. Collection method: not provided. Allele origin: unknown.
ClinVar note: Converted during submission from cancer to other.

NM_000038.6(APC):c.136-5499C>T

Gene: APC (APC regulator of WNT signaling pathway; plus strand). Cytogenetic location: 5q22.2.
Variant type: single nucleotide variant.
Coding change: c.136-5499C>T on transcript NM_000038.6 (MANE Select); 5499 bases into the intron before coding-DNA position 136, C replaced by T.
Molecular consequence: intron variant.
Genome position (GRCh38, 1-based): chr5:112,760,827, C>T. VCF-style: chr5-112760827-C-T. GRCh37 (hg19) VCF-style: chr5-112096524-C-T.
Other names: c.136-5499C>T (NM_001354895.2, NM_001127510.3, NM_001354896.2 and 2 more transcripts); c.166-5499C>T (NM_001354897.2, NM_001354902.2, NM_001127511.3); c.61-5499C>T (NM_001354898.2, NM_001354904.2); c.-900-5499C>T (NM_001354906.2); c.-42-5499C>T (NM_001354900.2, NM_001354901.2, NM_001354905.2).
Identifiers: ClinVar variation 82377 (VCV000082377.2), dbSNP rs78363681, ClinGen allele CA004821.
Genomic context (GRCh38, chr5:112,760,827, plus strand): 5'-AAACCAGTTAGTTGTGAACTTAAAATTGCAACTAGGTCTCAATCCATTTTTTTTTTTTTT[C>T]AAGACAGAGTCTCGCTCTGTCGCCCAGTCTGGAGTGCAGTGGCACAGTCTTGGCTCACTA-3'